The following is an entry in ClinVar:

NM_005188.4(CBL):c.457A>G (p.Lys153Glu)

Gene: CBL (Cbl proto-oncogene; plus strand). Cytogenetic location: 11q23.3.
Variant type: single nucleotide variant.
Coding change: c.457A>G on transcript NM_005188.4 (MANE Select); coding-DNA position 457, A replaced by G.
Protein change: p.Lys153Glu; replaces lysine 153 with glutamic acid.
Molecular consequence: missense variant.
Genome position (GRCh38, 1-based): chr11:119,271,748, A>G. VCF-style: chr11-119271748-A-G. GRCh37 (hg19) VCF-style: chr11-119142458-A-G.
Other names: c.457A>G (NM_005188.2); short protein forms K153E.
Identifiers: ClinVar variation 2874955 (VCV002874955.5), dbSNP rs1949850697, ClinGen allele CA382907054.

ClinVar aggregate classification (germline): Uncertain significance. Review status: criteria provided, multiple submitters, no conflicts (2 of 4 stars). 3 submissions from 3 submitters: Uncertain significance (3). Last evaluated 2025-02-16.

Conditions:
RASopathy. Also called: rasopathies; Noonan spectrum disorder. Identifiers: Orphanet 536391, MedGen C5555857, MONDO:0021060.
Cardiovascular phenotype. Identifiers: MedGen CN230736.

Submissions (3):

Ambry Genetics
Classification: Uncertain significance for Cardiovascular phenotype. Last evaluated: 2025-02-16. Review status: criteria provided, single submitter. Criteria: Ambry Variant Classification Scheme 2023. Collection method: clinical testing. Allele origin: germline.
Comment: The p.K153E variant (also known as c.457A>G), located in coding exon 3 of the CBL gene, results from an A to G substitution at nucleotide position 457. The lysine at codon 153 is replaced by glutamic acid, an amino acid with similar properties. This amino acid position is conserved. In addition, this alteration is predicted to be deleterious by in silico analysis. Based on the available evidence, the clinical significance of this variant remains unclear.

GeneDx
Classification: Uncertain significance. Last evaluated: 2024-12-26. Review status: criteria provided, single submitter. Criteria: GeneDx Variant Classification Process June 2021. Collection method: clinical testing. Allele origin: germline. Affected: yes.
Comment: Not observed at significant frequency in large population cohorts (gnomAD); In silico analysis supports that this missense variant has a deleterious effect on protein structure/function; Has not been previously published as pathogenic or benign to our knowledge; This variant is associated with the following publications: (PMID: 18034775, 20619386)

Labcorp Genetics (formerly Invitae), Labcorp
Classification: Uncertain significance for RASopathy. Last evaluated: 2022-10-27. Review status: criteria provided, single submitter. Criteria: Invitae Variant Classification Sherloc (09022015). Collection method: clinical testing. Allele origin: germline.
Comment: In summary, the available evidence is currently insufficient to determine the role of this variant in disease. Therefore, it has been classified as a Variant of Uncertain Significance. Algorithms developed to predict the effect of sequence changes on RNA splicing suggest that this variant may disrupt the consensus splice site. Advanced modeling of protein sequence and biophysical properties (such as structural, functional, and spatial information, amino acid conservation, physicochemical variation, residue mobility, and thermodynamic stability) performed at Invitae indicates that this missense variant is expected to disrupt CBL protein function. This variant has not been reported in the literature in individuals affected with CBL-related conditions. This variant is not present in population databases (gnomAD no frequency). This sequence change replaces lysine, which is basic and polar, with glutamic acid, which is acidic and polar, at codon 153 of the CBL protein (p.Lys153Glu).